The following is an entry in ClinVar:

ClinVar aggregate classification (germline): Uncertain significance (1 of 4 stars; one submission).

Allele frequency attached by ClinVar (database versions not stated): gnomAD exomes below 0.00001.
gnomAD v4.1: 5 of 1,612,820 alleles (0.00031%); highest among the groups gnomAD compares: South Asian, 0.0011%; no homozygotes.

Submission:

Labcorp Genetics (formerly Invitae), Labcorp
Classification: Uncertain significance. Last evaluated: 2023-10-03. Review status: criteria provided, single submitter. Criteria: Invitae Variant Classification Sherloc (09022015). Collection method: clinical testing. Allele origin: germline.
Comment: This sequence change falls in intron 5 of the ERCC6 gene. It does not directly change the encoded amino acid sequence of the ERCC6 protein. It affects a nucleotide within the consensus splice site. This variant is not present in population databases (gnomAD no frequency). This variant has not been reported in the literature in individuals affected with ERCC6-related conditions. ClinVar contains an entry for this variant (Variation ID: 2147213). Variants that disrupt the consensus splice site are a relatively common cause of aberrant splicing (PMID: 17576681, 9536098). Algorithms developed to predict the effect of sequence changes on RNA splicing suggest that this variant is not likely to affect RNA splicing. In summary, the available evidence is currently insufficient to determine the role of this variant in disease. Therefore, it has been classified as a Variant of Uncertain Significance.

Literature cited by the submitters: PubMed 17576681; PubMed 9536098.

NM_000124.4(ERCC6):c.1397+3C>T

Genes: ERCC6 (ERCC excision repair 6, chromatin remodeling factor; minus strand), PGBD3 (piggyBac transposable element derived 3; minus strand). Cytogenetic location: 10q11.23.
Variant type: single nucleotide variant.
Coding change: c.1397+3C>T on transcript NM_000124.4 (MANE Select); 3 bases into the intron after coding-DNA position 1397, C replaced by T.
Molecular consequence: intron variant.
Genome position (GRCh38, 1-based): chr10:49,524,030, G>A on the plus strand (C>T on the coding strand, the complement: ERCC6 is on the minus strand). VCF-style: chr10-49524030-G-A. GRCh37 (hg19) VCF-style: chr10-50732076-G-A.
Other names: c.1397+3C>T (NM_001346440.2, NM_001277059.2, NM_001277058.2); c.-8+3C>T (NM_170753.3).
Identifiers: ClinVar variation 2147213 (VCV002147213.2), dbSNP rs2496137242, ClinGen allele CA2574544983.